The following is an entry in ClinVar:

ClinVar aggregate classification (germline): Uncertain significance (1 of 4 stars; one submission).

Conditions:
Hereditary cancer-predisposing syndrome. Also called: Neoplastic Syndromes, Hereditary; Tumor predisposition; Hereditary Cancer Syndrome; Hereditary neoplastic syndrome. Identifiers: Orphanet 140162, MedGen C0027672, MeSH D009386, MONDO:0015356.

Allele frequency attached by ClinVar (database versions not stated): gnomAD exomes below 0.00001.

Submission:

Ambry Genetics
Classification: Uncertain significance for Hereditary cancer-predisposing syndrome. Last evaluated: 2022-08-13. Review status: criteria provided, single submitter. Criteria: Ambry Variant Classification Scheme 2023. Collection method: clinical testing. Allele origin: germline.
Comment: The p.P250S variant (also known as c.748C>T), located in coding exon 5 of the RAD50 gene, results from a C to T substitution at nucleotide position 748. The proline at codon 250 is replaced by serine, an amino acid with similar properties. This amino acid position is conserved. In addition, this alteration is predicted to be tolerated by in silico analysis. Since supporting evidence is limited at this time, the clinical significance of this alteration remains unclear.

NM_005732.4(RAD50):c.748C>T (p.Pro250Ser)

Gene: RAD50 (RAD50 double strand break repair protein; plus strand). Cytogenetic location: 5q31.1.
Variant type: single nucleotide variant.
Coding change: c.748C>T on transcript NM_005732.4 (MANE Select); coding-DNA position 748, C replaced by T.
Protein change: p.Pro250Ser; replaces proline 250 with serine.
Molecular consequence: missense variant.
Genome position (GRCh38, 1-based): chr5:132,580,058, C>T. VCF-style: chr5-132580058-C-T. GRCh37 (hg19) VCF-style: chr5-131915750-C-T.
Other names: short protein forms P250S.
Identifiers: ClinVar variation 1759145 (VCV001759145.2), dbSNP rs1554097833, ClinGen allele CA360937437.